The following is an entry in ClinVar:

ClinVar aggregate classification (germline): Pathogenic/Likely pathogenic. Review status: criteria provided, multiple submitters, no conflicts (2 of 4 stars). 6 submissions from 6 submitters: Pathogenic (3); Likely pathogenic (2). 1 of the submissions does not count toward it. Last evaluated 2025-06-11.

Conditions:
Hereditary cancer-predisposing syndrome. Also called: Neoplastic Syndromes, Hereditary; Hereditary neoplastic syndrome; Tumor predisposition; Hereditary Cancer Syndrome. Identifiers: Orphanet 140162, MedGen C0027672, MeSH D009386, MONDO:0015356.
Classic or attenuated familial adenomatous polyposis. Identifiers: MedGen CN372698, MONDO:0021057.
Periampullary adenoma. Also called: Adenoma, periampullary, somatic. Identifiers: MedGen CN068444, MONDO:0000488.
Familial adenomatous polyposis 1 (FAP1). Also called: FAMILIAL ADENOMATOUS POLYPOSIS 1, ATTENUATED; POLYPOSIS, ADENOMATOUS INTESTINAL. Identifiers: MedGen C2713442, MONDO:0021056, OMIM 175100. Disease mechanism: loss of function.

Submissions (6):

Ambry Genetics
Classification: Pathogenic for Hereditary cancer-predisposing syndrome. Last evaluated: 2025-06-11. Review status: criteria provided, single submitter. Criteria: Ambry Variant Classification Scheme 2023. Collection method: clinical testing. Allele origin: germline.
Comment: The c.-190G>A variant is located in the 5' untranslated region (5&rsquo; UTR) of the APC gene. This variant results from a G to A substitution 190 bases upstream from the first translated codon. This alteration has been detected in multiple individuals with a personal and/or family history of colon polyposis and/or gastric adenocarcinoma and proximal polyposis of the stomach (GAPPS) and was shown to segregate with disease in at least one family (Li J et al. Am J Hum Genet, 2016 May;98:830-842; Bertoli-Avella AM et al. Eur J Hum Genet, 2021 Jan;29:141-153; Ambry internal data). The alteration impacts a highly-conserved nucleotide within the YY1 binding motif of APC promoter 1B, and authors demonstrated disrupted protein binding associated with c.-190G>A (Li J et al. Am J Hum Genet, 2016 May;98:830-842). This nucleotide position is highly conserved in available vertebrate species. Based on the supporting evidence, this variant is interpreted as a disease-causing mutation.

Labcorp Genetics (formerly Invitae), Labcorp
Classification: Pathogenic for Familial adenomatous polyposis 1. Last evaluated: 2025-05-07. Review status: criteria provided, single submitter. Criteria: Invitae Variant Classification Sherloc (09022015). Collection method: clinical testing. Allele origin: germline.
Comment: This variant occurs in a non-coding region of the APC gene. It does not change the encoded amino acid sequence of the APC protein. This variant is not present in population databases (gnomAD no frequency). This variant has been observed in individuals with clinical features of familial adenomatous polyposis (PMID: 27087319; internal data). It has also been observed to segregate with disease in related individuals. This variant is also known as c.-190G>A. ClinVar contains an entry for this variant (Variation ID: 243008). Algorithms developed to predict the effect of variants on gene product structure and function are not available or were not evaluated for this variant. Experimental studies have shown that this variant affects APC function (PMID: 27087319). For these reasons, this variant has been classified as Pathogenic.

Genomic Medicine Center of Excellence, King Faisal Specialist Hospital and Research Centre
Classification: Likely pathogenic for Adenoma, periampullary, somatic. Last evaluated: 2024-03-14. Review status: criteria provided, single submitter. Criteria: ACMG Guidelines, 2015. Collection method: clinical testing. Allele origin: germline.

CENTOGENE GmbH and LLC - Guiding Precision Medicine
Classification: Pathogenic for Familial adenomatous polyposis 1. Review status: criteria provided, single submitter. Criteria: ACMG Guidelines, 2015. Collection method: clinical testing. Allele origin: germline. Affected: yes.

Department of Pathology and Laboratory Medicine, Sinai Health System
Classification: Likely pathogenic for classic or attenuated familial adenomatous polyposis. Review status: criteria provided, single submitter. Criteria: ACMG Guidelines, 2015. Collection method: clinical testing. Allele origin: germline.

OMIM
Classification: Pathogenic for FAMILIAL ADENOMATOUS POLYPOSIS 1. Last evaluated: 2025-09-04. Review status: no assertion criteria provided. Collection method: literature only. Allele origin: germline. Not counted in ClinVar's aggregate classification.

Literature cited by the submitters: PubMed 27087319 (cited by 3 submitters); PubMed 32860008 (cited by Ambry Genetics and CENTOGENE GmbH and LLC - Guiding Precision Medicine).

NM_001127511.3(APC):c.-190G>A

Genes: APC (APC regulator of Wnt signaling pathway; plus strand), LOC129994371 (ATAC-STARR-seq lymphoblastoid active region 22910; plus strand). Cytogenetic location: 5q22.2.
Variant type: single nucleotide variant.
Coding change: c.-190G>A on transcript NM_001127511.3; 190 bases upstream of the start codon, G replaced by A.
Molecular consequence: 5 prime UTR variant. On other transcripts: non-coding transcript variant (2).
Genome position (GRCh38, 1-based): chr5:112,707,528, G>A. VCF-style: chr5-112707528-G-A. GRCh37 (hg19) VCF-style: chr5-112043225-G-A.
Other names: -190G-A; c.-373G>A (NM_001354895.2, NM_001407447.1, NM_001407452.1 and 3 more transcripts); c.-190G>A (NM_001354897.2, NM_001354902.2, NM_001407446.1); c.-140G>A (NM_001407448.1, NM_001407450.1, NM_001407457.1 and 1 more transcripts); c.-164G>A (NM_001407453.1); c.-1408G>A (NM_001407470.1, NM_001407472.1).
Identifiers: ClinVar variation 243008 (VCV000243008.14), dbSNP rs879253785, ClinGen allele CA10584055.